The following is an entry in ClinVar:

ClinVar aggregate classification (germline): Uncertain significance (1 of 4 stars; one submission).

Conditions:
Hereditary cancer-predisposing syndrome. Also called: Neoplastic Syndromes, Hereditary; Tumor predisposition; Hereditary Cancer Syndrome; Hereditary neoplastic syndrome. Identifiers: Orphanet 140162, MedGen C0027672, MeSH D009386, MONDO:0015356.

Submission:

Ambry Genetics
Classification: Uncertain significance for Hereditary cancer-predisposing syndrome. Last evaluated: 2022-07-01. Review status: criteria provided, single submitter. Criteria: Ambry Variant Classification Scheme 2023. Collection method: clinical testing. Allele origin: germline.
Comment: The p.I2661M variant (also known as c.7983T>G), located in coding exon 15 of the APC gene, results from a T to G substitution at nucleotide position 7983. The isoleucine at codon 2661 is replaced by methionine, an amino acid with highly similar properties. This amino acid position is conserved. In addition, in silico predictors for this gene do not accurately predict pathogenicity. Since supporting evidence is limited at this time, the clinical significance of this alteration remains unclear.

NM_000038.6(APC):c.7983T>G (p.Ile2661Met)

Gene: APC (APC regulator of Wnt signaling pathway; plus strand). Cytogenetic location: 5q22.2.
Variant type: single nucleotide variant.
Coding change: c.7983T>G on transcript NM_000038.6 (MANE Select); coding-DNA position 7983, T replaced by G.
Protein change: p.Ile2661Met; replaces isoleucine 2661 with methionine.
Molecular consequence: missense variant.
Genome position (GRCh38, 1-based): chr5:112,843,577, T>G. VCF-style: chr5-112843577-T-G. GRCh37 (hg19) VCF-style: chr5-112179274-T-G.
Other names: c.7983T>G, p.Ile2661Met (NM_001127510.3, NM_001354895.2, NM_001407450.1); c.7929T>G, p.Ile2643Met (NM_001127511.3); c.8037T>G, p.Ile2679Met (NM_001354896.2, NM_001407447.1, NM_001407448.1 and 1 more transcripts); c.8013T>G, p.Ile2671Met (NM_001354897.2); c.7908T>G, p.Ile2636Met (NM_001354898.2); c.7899T>G, p.Ile2633Met (NM_001354899.2); c.7860T>G, p.Ile2620Met (NM_001354900.2); c.7806T>G, p.Ile2602Met (NM_001354901.2, NM_001407453.1); and 11 more; short protein forms I2277M, I2378M, I2560M, I2651M, I2578M, I2620M, I2654M, I2532M.
Identifiers: ClinVar variation 1761476 (VCV001761476.2), dbSNP rs2149997379, ClinGen allele CA16038668.